The following is an entry in ClinVar:

NM_000531.6(OTC):c.274C>G (p.Arg92Gly)

Gene: OTC (ornithine transcarbamylase; plus strand). Cytogenetic location: Xp11.4.
Variant type: single nucleotide variant.
Coding change: c.274C>G on transcript NM_000531.6 (MANE Select); coding-DNA position 274, C replaced by G.
Protein change: p.Arg92Gly; replaces arginine 92 with glycine.
Molecular consequence: missense variant.
Genome position (GRCh38, 1-based): chrX:38,369,853, C>G. VCF-style: chrX-38369853-C-G. GRCh37 (hg19) VCF-style: chrX-38229106-C-G.
Other names: short protein forms R92G.
Identifiers: ClinVar variation 97150 (VCV000097150.2), dbSNP rs67418243, ClinGen allele CA224528.

ClinVar aggregate classification (germline): Pathogenic (0 of 4 stars; one submission).

Submission:

GenMed Metabolism Lab
Classification: Pathogenic. Review status: no assertion criteria provided. Collection method: not provided. Allele origin: unknown.
ClinVar note: Converted during submission from pathogenic to Pathogenic.